The following is an entry in ClinVar:

ClinVar aggregate classification (germline): Uncertain significance (1 of 4 stars; one submission).

gnomAD v4.1: 1 of 1,611,804 alleles (0.000062%); highest among the groups gnomAD compares: Admixed American, 0.0017%; no homozygotes.

Submission:

Labcorp Genetics (formerly Invitae), Labcorp
Classification: Uncertain significance. Last evaluated: 2025-07-06. Review status: criteria provided, single submitter. Criteria: Invitae Variant Classification Sherloc (09022015). Collection method: clinical testing. Allele origin: germline.
Comment: This sequence change replaces lysine, which is basic and polar, with threonine, which is neutral and polar, at codon 472 of the CFH protein (p.Lys472Thr). This variant is present in population databases (no rsID available, gnomAD 0.003%). This variant has not been reported in the literature in individuals affected with CFH-related conditions. An algorithm developed to predict the effect of missense changes on protein structure and function outputs the following: PolyPhen-2: "Benign". The threonine amino acid residue is found in multiple mammalian species, which suggests that this missense change does not adversely affect protein function. In summary, the available evidence is currently insufficient to determine the role of this variant in disease. Therefore, it has been classified as a Variant of Uncertain Significance.

NM_000186.4(CFH):c.1415A>C (p.Lys472Thr)

Gene: CFH (complement factor H; plus strand). Cytogenetic location: 1q31.3.
Variant type: single nucleotide variant.
Coding change: c.1415A>C on transcript NM_000186.4 (MANE Select); coding-DNA position 1415, A replaced by C.
Protein change: p.Lys472Thr; replaces lysine 472 with threonine.
Molecular consequence: missense variant.
Genome position (GRCh38, 1-based): chr1:196,713,813, A>C. VCF-style: chr1-196713813-A-C. GRCh37 (hg19) VCF-style: chr1-196682943-A-C.
Other names: short protein forms K472T.
Identifiers: ClinVar variation 4693704 (VCV004693704.1).